The following is an entry in ClinVar:

NM_001365951.3(KIF1B):c.3044-5T>C

Gene: KIF1B (kinesin family member 1B; plus strand). Cytogenetic location: 1p36.22.
Variant type: single nucleotide variant.
Coding change: c.3044-5T>C on transcript NM_001365951.3 (MANE Select); 5 bases into the intron before coding-DNA position 3044, T replaced by C.
Molecular consequence: intron variant.
Genome position (GRCh38, 1-based): chr1:10,336,652, T>C. VCF-style: chr1-10336652-T-C. GRCh37 (hg19) VCF-style: chr1-10396710-T-C.
Other names: c.2906-5T>C (NM_015074.3); c.3044-5T>C (NM_001365952.1).
Identifiers: ClinVar variation 1797510 (VCV001797510.3), dbSNP rs2521715213, ClinGen allele CA2580060450.

ClinVar aggregate classification (germline): Uncertain significance (1 of 4 stars; one submission).

Submission:

Ambry Genetics
Classification: Uncertain significance. Last evaluated: 2025-11-06. Review status: criteria provided, single submitter. Criteria: Ambry Variant Classification Scheme 2023. Collection method: clinical testing. Allele origin: germline.
Comment: The c.2906-5T>C intronic variant results from a T to C substitution 5 nucleotides upstream from coding exon 26 in the KIF1B gene. This nucleotide position is not well conserved in available vertebrate species. In silico splice site analysis predicts that this alteration will not have any significant effect on splicing. The evidence for this gene-disease relationship is limited; therefore, the clinical significance of this alteration is unclear.